The following is an entry in ClinVar:

ClinVar aggregate classification (germline): Likely benign (1 of 4 stars; one submission).

Submission:

CeGaT Center for Human Genetics Tuebingen
Classification: Likely benign. Last evaluated: 2026-07-01. Review status: criteria provided, single submitter. Criteria: CeGaT Center For Human Genetics Tuebingen Variant Classification Criteria Version 2. Collection method: clinical testing. Allele origin: germline. Affected: yes. Observed: 1 variant allele.
Comment: SLC26A9: BP4

NM_052934.4(SLC26A9):c.265+6G>T

Gene: SLC26A9 (solute carrier family 26 member 9; minus strand). Cytogenetic location: 1q32.1.
Variant type: single nucleotide variant.
Coding change: c.265+6G>T on transcript NM_052934.4 (MANE Select); 6 bases into the intron after coding-DNA position 265, G replaced by T.
Molecular consequence: intron variant.
Genome position (GRCh38, 1-based): chr1:205,932,939, C>A on the plus strand (G>T on the coding strand, the complement: SLC26A9 is on the minus strand). VCF-style: chr1-205932939-C-A. GRCh37 (hg19) VCF-style: chr1-205902067-C-A.
Other names: c.265+6G>T (NM_134325.3).
Identifiers: ClinVar variation 5039893 (VCV005039893.1).